The following is an entry in ClinVar:

ClinVar aggregate classification (germline): Likely pathogenic (1 of 4 stars; one submission).

Conditions:
Dyskeratosis congenita, autosomal recessive 5 (DKCB5). Identifiers: MedGen C3554656, MONDO:0014076, OMIM 615190.
Pulmonary fibrosis and/or bone marrow failure, Telomere-related, 3. Also called: PULMONARY FIBROSIS AND/OR BONE MARROW FAILURE SYNDROME, TELOMERE-RELATED, 3. Identifiers: Orphanet 2032, MedGen C4225346, MONDO:0014613, OMIM 616373.

Submission:

Labcorp Genetics (formerly Invitae), Labcorp
Classification: Likely pathogenic for Dyskeratosis congenita, autosomal recessive 5; Pulmonary fibrosis and/or bone marrow failure, Telomere-related, 3. Last evaluated: 2023-07-25. Review status: criteria provided, single submitter. Criteria: Invitae Variant Classification Sherloc (09022015). Collection method: clinical testing. Allele origin: germline.
Comment: This variant is not present in population databases (gnomAD no frequency). This sequence change affects an acceptor splice site in intron 25 of the RTEL1 gene. It is expected to disrupt RNA splicing. Variants that disrupt the donor or acceptor splice site typically lead to a loss of protein function (PMID: 16199547), and loss-of-function variants in RTEL1 are known to be pathogenic (PMID: 23453664, 23959892, 25607374). This variant has not been reported in the literature in individuals affected with RTEL1-related conditions. In summary, the currently available evidence indicates that the variant is pathogenic, but additional data are needed to prove that conclusively. Therefore, this variant has been classified as Likely Pathogenic. Algorithms developed to predict the effect of sequence changes on RNA splicing suggest that this variant may disrupt the consensus splice site.

Literature cited by the submitters: PubMed 16199547; PubMed 23453664; PubMed 23959892; PubMed 25607374.

NM_001283009.2(RTEL1):c.2266-2A>G

Genes: RTEL1 (regulator of telomere elongation helicase 1; plus strand), RTEL1-TNFRSF6B (RTEL1-TNFRSF6B readthrough (NMD candidate); plus strand). Cytogenetic location: 20q13.33.
Variant type: single nucleotide variant.
Coding change: c.2266-2A>G on transcript NM_001283009.2 (MANE Select); the canonical splice acceptor site of the intron before coding-DNA position 2266, A replaced by G.
Molecular consequence: splice acceptor variant.
Genome position (GRCh38, 1-based): chr20:63,690,292, A>G. VCF-style: chr20-63690292-A-G. GRCh37 (hg19) VCF-style: chr20-62321645-A-G.
Other names: c.1597-2A>G (NM_001283010.1); c.2338-2A>G (NM_032957.5); c.2266-2A>G (NM_016434.4).
Identifiers: ClinVar variation 2950274 (VCV002950274.3), dbSNP rs2517140063, ClinGen allele CA409680727.